The following is an entry in ClinVar:

NM_015047.3(EMC1):c.2140C>T (p.Arg714Cys)

Genes: EMC1 (ER membrane protein complex subunit 1; minus strand), EMC1-AS1 (EMC1 antisense RNA 1; plus strand). Cytogenetic location: 1p36.13.
Variant type: single nucleotide variant.
Coding change: c.2140C>T on transcript NM_015047.3 (MANE Select); coding-DNA position 2140, C replaced by T.
Protein change: p.Arg714Cys; replaces arginine 714 with cysteine.
Molecular consequence: missense variant.
Genome position (GRCh38, 1-based): chr1:19,227,375, G>A on the plus strand (C>T on the coding strand, the complement: EMC1 is on the minus strand). VCF-style: chr1-19227375-G-A. GRCh37 (hg19) VCF-style: chr1-19553869-G-A.
Other names: c.2140C>T (NM_015047.1); c.2137C>T, p.Arg713Cys (NM_001271427.2, NM_001271428.2); c.2074C>T, p.Arg692Cys (NM_001271429.2); c.2149C>T, p.Arg717Cys (NM_001375820.1); c.2146C>T, p.Arg716Cys (NM_001375821.1); short protein forms R692C, R716C, R717C, R714C, R713C.
Identifiers: ClinVar variation 1045704 (VCV001045704.13), dbSNP rs772294287, ClinGen allele CA652384.
Genomic context (GRCh38, chr1:19,227,375, plus strand): 5'-TGTAGAGCACACTGCGGTCCCCCATCACACGGCCCTGGGAATGAACGTGCTCACTGCTGC[G>A]TTTCCCCTTCACCTTGACGATCCGCTGTACTTCTGGGGGAATGGTCAGCTCCCAACTCAG-3'
Protein context (NP_055862.1, residues 704-724): VQRIVKVKGK[Arg714Cys]SSEHVHSQGR

ClinVar aggregate classification (germline): Conflicting classifications of pathogenicity. Review status: criteria provided, conflicting classifications (1 of 4 stars). 3 submissions from 3 submitters: Uncertain significance (2); Likely benign (1). Last evaluated 2025-12-10.

Conditions:
Inborn genetic diseases. Identifiers: MedGen C0950123, MeSH D030342.

Allele frequency attached by ClinVar (database versions not stated): gnomAD 0.00001; ExAC 0.00002; gnomAD exomes 0.00002; TOPMed 0.00002.

Submissions (3):

Ambry Genetics
Classification: Uncertain significance for Inborn genetic diseases. Last evaluated: 2025-12-10. Review status: criteria provided, single submitter. Criteria: Ambry Variant Classification Scheme 2023. Collection method: clinical testing. Allele origin: germline.

Labcorp Genetics (formerly Invitae), Labcorp
Classification: Uncertain significance. Last evaluated: 2025-10-14. Review status: criteria provided, single submitter. Criteria: Invitae Variant Classification Sherloc (09022015). Collection method: clinical testing. Allele origin: germline.
Comment: This sequence change replaces arginine, which is basic and polar, with cysteine, which is neutral and slightly polar, at codon 714 of the EMC1 protein (p.Arg714Cys). This variant is present in population databases (rs772294287, gnomAD 0.003%). This variant has not been reported in the literature in individuals affected with EMC1-related conditions. ClinVar contains an entry for this variant (Variation ID: 1045704). Invitae Evidence Modeling of protein sequence and biophysical properties (such as structural, functional, and spatial information, amino acid conservation, physicochemical variation, residue mobility, and thermodynamic stability) indicates that this missense variant is expected to disrupt EMC1 protein function with a positive predictive value of 80%. In summary, the available evidence is currently insufficient to determine the role of this variant in disease. Therefore, it has been classified as a Variant of Uncertain Significance.

Blueprint Genetics
Classification: Likely benign. Last evaluated: 2021-09-02. Review status: criteria provided, single submitter. Criteria: ACMG Guidelines, 2015. Collection method: clinical testing. Allele origin: germline.